The following is an entry in ClinVar:

ClinVar aggregate classification (germline): Uncertain significance. Review status: criteria provided, multiple submitters, no conflicts (2 of 4 stars). 4 submissions from 4 submitters: Uncertain significance (4). Last evaluated 2026-04-30.

Conditions:
Bardet-Biedl syndrome 14 (BBS14). Identifiers: Orphanet 110, MedGen C2673874, MONDO:0014442, OMIM 615991.
Meckel syndrome, type 3 (MKS3). Also called: MECKEL-GRUBER SYNDROME, TYPE 3. Identifiers: Orphanet 564, MedGen C1846357, MONDO:0011821, OMIM 607361.
COACH syndrome 1. Identifiers: Orphanet 1454, MedGen C5435651, MONDO:0800103, OMIM 216360, MONDO:0008996.
Joubert syndrome 6 (JBTS6). Identifiers: Orphanet 475, MedGen C1853153, MONDO:0012539, OMIM 610688.
Nephronophthisis 11 (NPHP11). Identifiers: Orphanet 84081, MedGen C3150796, MONDO:0013302, OMIM 613550.
RHYNS syndrome. Also called: RETINITIS PIGMENTOSA SYNDROME; RETINITIS PIGMENTOSA, HYPOPITUITARISM, NEPHRONOPHTHISIS, AND MILD SKELETAL DYSPLASIA. Identifiers: Orphanet 140976, MedGen C1865794, MONDO:0011202, OMIM 602152.
TMEM67-related disorder. Also called: TMEM67-related condition; TMEM67-related disorders. Identifiers: MedGen CN239423.
Joubert syndrome. Also called: Familial aplasia of the vermis; JOUBERT-BOLTSHAUSER SYNDROME. Identifiers: Orphanet 475, MedGen C5979921, MONDO:0018772.
Meckel-Gruber syndrome. Also called: DYSENCEPHALIA SPLANCHNOCYSTICA; GRUBER SYNDROME; Dysencephalia splachnocystica. Identifiers: Orphanet 564, MedGen C0265215, MONDO:0018921.
Inborn genetic diseases. Identifiers: MedGen C0950123, MeSH D030342.

Allele frequency attached by ClinVar (database versions not stated): gnomAD exomes 0.00002 and 0.00006; gnomAD 0.00003; ExAC 0.00004; TOPMed 0.00009.
gnomAD v4.1: 19 of 1,613,612 alleles (0.0012%); highest among the groups gnomAD compares: Admixed American, 0.03%; no homozygotes.

Submissions (4):

PreventionGenetics, part of Exact Sciences
Classification: Uncertain significance for TMEM67-related condition. Last evaluated: 2026-04-30. Review status: criteria provided, single submitter. Criteria: ACMG Guidelines, 2015. Collection method: clinical testing. Allele origin: germline.
Comment: The TMEM67 c.1495G>T variant is predicted to result in the amino acid substitution p.Asp499Tyr. To our knowledge, this variant has not been reported in the literature. This variant is reported in 0.042% of alleles in individuals of Latino descent in gnomAD. At this time, the clinical significance of this variant is uncertain due to the absence of conclusive functional and genetic evidence.

Labcorp Genetics (formerly Invitae), Labcorp
Classification: Uncertain significance for Joubert syndrome; Meckel-Gruber syndrome. Last evaluated: 2024-11-11. Review status: criteria provided, single submitter. Criteria: Invitae Variant Classification Sherloc (09022015). Collection method: clinical testing. Allele origin: germline.
Comment: This sequence change replaces aspartic acid, which is acidic and polar, with tyrosine, which is neutral and polar, at codon 499 of the TMEM67 protein (p.Asp499Tyr). This variant is present in population databases (rs758803102, gnomAD 0.04%). This variant has not been reported in the literature in individuals affected with TMEM67-related conditions. ClinVar contains an entry for this variant (Variation ID: 1003200). Invitae Evidence Modeling of protein sequence and biophysical properties (such as structural, functional, and spatial information, amino acid conservation, physicochemical variation, residue mobility, and thermodynamic stability) has been performed for this missense variant. However, the output from this modeling did not meet the statistical confidence thresholds required to predict the impact of this variant on TMEM67 protein function. In summary, the available evidence is currently insufficient to determine the role of this variant in disease. Therefore, it has been classified as a Variant of Uncertain Significance.

Fulgent Genetics
Classification: Uncertain significance for COACH syndrome 1; RHYNS syndrome; Meckel syndrome, type 3; Joubert syndrome 6; Nephronophthisis 11; Bardet-Biedl syndrome 14. Last evaluated: 2024-01-22. Review status: criteria provided, single submitter. Criteria: ACMG Guidelines, 2015. Collection method: clinical testing. Allele origin: germline.

Ambry Genetics
Classification: Uncertain significance for Inborn genetic diseases. Last evaluated: 2021-08-13. Review status: criteria provided, single submitter. Criteria: Ambry Variant Classification Scheme 2023. Collection method: clinical testing. Allele origin: germline.

NM_153704.6(TMEM67):c.1495G>T (p.Asp499Tyr)

Gene: TMEM67 (transmembrane protein 67; plus strand). Cytogenetic location: 8q22.1.
Variant type: single nucleotide variant.
Coding change: c.1495G>T on transcript NM_153704.6 (MANE Select); coding-DNA position 1495, G replaced by T.
Protein change: p.Asp499Tyr; replaces aspartic acid 499 with tyrosine.
Molecular consequence: missense variant. On other transcripts: non-coding transcript variant (1).
Genome position (GRCh38, 1-based): chr8:93,787,926, G>T. VCF-style: chr8-93787926-G-T. GRCh37 (hg19) VCF-style: chr8-94800154-G-T.
Other names: c.1495G>T (NM_153704.5); c.1252G>T, p.Asp418Tyr (NM_001142301.1); short protein forms D418Y, D499Y.
Identifiers: ClinVar variation 1003200 (VCV001003200.10), dbSNP rs758803102, ClinGen allele CA4807984.